The following is an entry in ClinVar:

NM_000090.4(COL3A1):c.-80G>A

Gene: COL3A1 (collagen type III alpha 1 chain; plus strand). Cytogenetic location: 2q32.2.
Variant type: single nucleotide variant.
Coding change: c.-80G>A on transcript NM_000090.4 (MANE Select); 80 bases upstream of the start codon, G replaced by A.
Molecular consequence: 5 prime UTR variant.
Genome position (GRCh38, 1-based): chr2:188,974,410, G>A. VCF-style: chr2-188974410-G-A. GRCh37 (hg19) VCF-style: chr2-189839136-G-A.
Identifiers: ClinVar variation 333045 (VCV000333045.9), dbSNP rs41265575, ClinGen allele CA10612155.

ClinVar aggregate classification (germline): Benign/Likely benign. Review status: criteria provided, multiple submitters, no conflicts (2 of 4 stars). 3 submissions from 3 submitters: Benign (1); Likely benign (2). Last evaluated 2019-08-13.

Conditions:
Ehlers-Danlos syndrome, type 4 (EDSVASC). Also called: Ehlers-Danlos Syndrome Type IV; Ehlers-Danlos syndrome vascular type; Ehlers Danlos syndrome, ecchymotic type; Ehlers Danlos syndrome, arterial type; Ehlers Danlos syndrome, Sack-Barabas type. Identifiers: Orphanet 286, MedGen C0268338, MONDO:0017314, OMIM 130050.

Allele frequency attached by ClinVar (database versions not stated): gnomAD 0.00499 and 0.00470; gnomAD exomes 0.00670; TOPMed 0.00384; 1000 Genomes Project 30x 0.00422; 1000 Genomes Project 0.00479.

Submissions (3):

GeneDx
Classification: Likely benign. Last evaluated: 2019-08-13. Review status: criteria provided, single submitter. Criteria: GeneDx Variant Classification Process June 2021. Collection method: clinical testing. Allele origin: germline. Affected: yes.

Illumina Laboratory Services, Illumina
Classification: Benign for Ehlers-Danlos syndrome, type 4. Last evaluated: 2018-01-12. Review status: criteria provided, single submitter. Criteria: ICSL Variant Classification Criteria 13 December 2019. Collection method: clinical testing. Allele origin: germline.
Comment: This variant was observed in the ICSL laboratory as part of a predisposition screen in an ostensibly healthy population. It had not been previously curated by ICSL or reported in the Human Gene Mutation Database (HGMD: prior to June 1st, 2018), and was therefore a candidate for classification through an automated scoring system. Utilizing variant allele frequency, disease prevalence and penetrance estimates, and inheritance mode, an automated score was calculated to assess if this variant is too frequent to cause the disease. Based on the score and internal cut-off values, a variant classified as benign is not then subjected to further curation. The score for this variant resulted in a classification of benign for this disease.

Breakthrough Genomics
Classification: Likely benign. Review status: criteria provided, single submitter. Criteria: ACMG Guidelines, 2015. Collection method: not provided. Allele origin: germline. Inheritance: Autosomal recessive inheritance. Affected: yes.